The following is an entry in ClinVar:

NM_003403.5(YY1):c.1175A>C (p.Lys392Thr)

Gene: YY1 (YY1 transcription factor; plus strand). Cytogenetic location: 14q32.2.
Variant type: single nucleotide variant.
Coding change: c.1175A>C on transcript NM_003403.5 (MANE Select); coding-DNA position 1175, A replaced by C.
Protein change: p.Lys392Thr; replaces lysine 392 with threonine.
Molecular consequence: missense variant.
Genome position (GRCh38, 1-based): chr14:100,277,530, A>C. VCF-style: chr14-100277530-A-C. GRCh37 (hg19) VCF-style: chr14-100743867-A-C.
Other names: short protein forms K392T.
Identifiers: ClinVar variation 4531464 (VCV004531464.1).

ClinVar aggregate classification (germline): Likely pathogenic (1 of 4 stars; one submission).

Conditions:
Gabriele de Vries syndrome. Identifiers: Orphanet 506358, MedGen C4479652, MONDO:0044738, OMIM 617557.

Submission:

Victorian Clinical Genetics Services, Murdoch Childrens Research Institute
Classification: Likely pathogenic for Gabriele de Vries syndrome. Last evaluated: 2025-07-09. Review status: criteria provided, single submitter. Criteria: ACMG Guidelines, 2015. Collection method: clinical testing. Allele origin: germline. Affected: yes.
Comment: This variant is classified as Likely pathogenic. Evidence in support of pathogenic classification: Variant is absent from gnomAD (v2, v3 and v4); Variant is located in the well-established zinc finger, C2H2 type, domain and has been shown to be important for DNA binding (DECIPHER, PMID: 35024765); Additional information: Variant is predicted to result in a missense amino acid change from lysine to threonine; This variant is heterozygous; This gene is associated with autosomal dominant disease; This variant has no previous evidence of pathogenicity; No published evidence of segregation with disease has been identified for this variant; No published functional evidence has been identified for this variant; No comparable missense variants have previous evidence for pathogenicity. - Missense variant with inconclusive in silico prediction and/or uninformative conservation; Loss of function is a known mechanism of disease in this gene and is associated with Gabriele-de Vries syndrome (MIM#617557) (PMID: 28575647).

Literature cited by the submitters: PubMed 35024765; PubMed 28575647.